The following is an entry in ClinVar:

ClinVar aggregate classification (germline): Conflicting classifications of pathogenicity. Review status: criteria provided, conflicting classifications (1 of 4 stars). 3 submissions from 3 submitters: Uncertain significance (2); Likely benign (1). Last evaluated 2026-01-06.

Conditions:
Fanconi anemia complementation group J. Also called: BRIP1-Related Fanconi Anemia. Identifiers: Orphanet 84, MedGen C1836860, MONDO:0012187, OMIM 609054.
Familial cancer of breast. Also called: BREAST CANCER, FAMILIAL; hereditary breast carcinoma; Hereditary breast cancer. Identifiers: Orphanet 227535, MedGen C0346153, MONDO:0016419, OMIM 114480. Disease mechanism: loss of function.

Submissions (3):

Labcorp Genetics (formerly Invitae), Labcorp
Classification: Likely benign for Familial cancer of breast; Fanconi anemia complementation group J. Last evaluated: 2026-01-06. Review status: criteria provided, single submitter. Criteria: Invitae Variant Classification Sherloc (09022015). Collection method: clinical testing. Allele origin: germline.

Center for Genomic Medicine, Rigshospitalet, Copenhagen University Hospital
Classification: Uncertain significance. Last evaluated: 2025-03-04. Review status: criteria provided, single submitter. Criteria: ACMG Guidelines, 2015. Collection method: clinical testing. Allele origin: germline.

Quest Diagnostics Nichols Institute San Juan Capistrano
Classification: Uncertain significance. Last evaluated: 2024-04-24. Review status: criteria provided, single submitter. Criteria: Quest Diagnostics criteria. Collection method: clinical testing. Allele origin: unknown.
Comment: The BRIP1 c.1341-8_1341-4del variant has not been reported in individuals with BRIP1-related conditions in the published literature. It also has not been reported in large, multi-ethnic general populations (Genome Aggregation Database). Analysis of this variant using software algorithms for the prediction of the effect of nucleotide changes on splicing yielded predictions that this variant does not affect BRIP1 mRNA splicing. Based on the available information, we are unable to determine the clinical significance of this variant.

NM_032043.3(BRIP1):c.1341-8_1341-4del

Gene: BRIP1 (BRCA1 interacting DNA helicase 1; minus strand). Cytogenetic location: 17q23.2.
Variant type: Microsatellite.
Coding change: c.1341-8_1341-4del on transcript NM_032043.3 (MANE Select); 8 bases into the intron before coding-DNA position 1341 through 4 bases into the intron before coding-DNA position 1341, 5 bases deleted (TATTT; older notation c.1341-8_1341-4delTATTT).
Molecular consequence: intron variant.
Genome position (GRCh38, 1-based): chr17:61,793,733-61,793,737, AAATA deleted on the plus strand (TATTT on the coding strand, the reverse complement: BRIP1 is on the minus strand); deleting any 5 consecutive bases within chr17:61,793,733-61,793,745 gives the same sequence; the c. name uses the placement nearest the transcript's 3' end. VCF-style (leftmost placement, unchanged base first): chr17-61793732-GAAATA-G. GRCh37 (hg19) VCF-style: chr17-59871093-GAAATA-G.
Other names: c.1341-8_1341-4delTATTT (NM_032043.2, NM_032043.3); c.1341-8_1341-4del (NM_032043.2).
Identifiers: ClinVar variation 530357 (VCV000530357.17), dbSNP rs1555605965, ClinGen allele CA658798941.